The following is an entry in ClinVar:

ClinVar aggregate classification (germline): Benign (1 of 4 stars; one submission).

Conditions:
Progressive external ophthalmoplegia with mitochondrial DNA deletions, autosomal dominant 2. Also called: PROGRESSIVE EXTERNAL OPHTHALMOPLEGIA, AUTOSOMAL DOMINANT 2. Identifiers: MedGen C1836460, MONDO:0012238, OMIM 609283.

Allele frequency attached by ClinVar (database versions not stated): TOPMed 0.00006; gnomAD 0.00031 and 0.00004; 1000 Genomes Project 0.00200; 1000 Genomes Project 30x 0.00203.

Submission:

Illumina Laboratory Services, Illumina
Classification: Benign for Progressive external ophthalmoplegia with mitochondrial DNA deletions, autosomal dominant 2. Last evaluated: 2018-01-13. Review status: criteria provided, single submitter. Criteria: ICSL Variant Classification Criteria 13 December 2019. Collection method: clinical testing. Allele origin: germline.
Comment: This variant was observed in the ICSL laboratory as part of a predisposition screen in an ostensibly healthy population. It had not been previously curated by ICSL or reported in the Human Gene Mutation Database (HGMD: prior to June 1st, 2018), and was therefore a candidate for classification through an automated scoring system. Utilizing variant allele frequency, disease prevalence and penetrance estimates, and inheritance mode, an automated score was calculated to assess if this variant is too frequent to cause the disease. Based on the score and internal cut-off values, a variant classified as benign is not then subjected to further curation. The score for this variant resulted in a classification of benign for this disease.

NM_001151.4(SLC25A4):c.*3070C>T

Gene: SLC25A4 (solute carrier family 25 member 4; plus strand). Cytogenetic location: 4q35.1.
Variant type: single nucleotide variant.
Coding change: c.*3070C>T on transcript NM_001151.4 (MANE Select); 3070 bases downstream of the stop codon, C replaced by T.
Molecular consequence: 3 prime UTR variant.
Genome position (GRCh38, 1-based): chr4:185,150,041, C>T. VCF-style: chr4-185150041-C-T. GRCh37 (hg19) VCF-style: chr4-186071195-C-T.
Identifiers: ClinVar variation 348283 (VCV000348283.5), dbSNP rs539027516, ClinGen allele CA10620644.
Genomic context (GRCh38, chr4:185,150,041, plus strand): 5'-TGGGCGACTGCTCCCGTTCCATTTTATTCTGTAAAATATGTGGCATCCTTTGTGTTGAGG[C>T]GGCATTTACTAAACACCCCCAAGGTGCAAGGCTGCAAGAGAATCGAGCGCCGCAAGGCGA-3'